The following is an entry in ClinVar:

ClinVar aggregate classification (germline): Likely pathogenic (1 of 4 stars; one submission).

Conditions:
3-Methylglutaconic aciduria type 2 (BTHS). Also called: CARDIOSKELETAL MYOPATHY WITH NEUTROPENIA AND ABNORMAL MITOCHONDRIA; Barth syndrome. Identifiers: Orphanet 111, MedGen C0574083, MONDO:0010543, OMIM 302060.

Submission:

Labcorp Genetics (formerly Invitae), Labcorp
Classification: Likely pathogenic for 3-Methylglutaconic aciduria type 2. Last evaluated: 2021-02-18. Review status: criteria provided, single submitter. Criteria: Invitae Variant Classification Sherloc (09022015). Collection method: clinical testing. Allele origin: germline.
Comment: In summary, the currently available evidence indicates that the variant is pathogenic, but additional data are needed to prove that conclusively. Therefore, this variant has been classified as Likely Pathogenic. Donor and acceptor splice site variants typically lead to a loss of protein function (PMID: 16199547), and loss-of-function variants in TAZ are known to be pathogenic (PMID: 16427346, 22382802, 23409742). This variant has not been reported in the literature in individuals with TAZ-related conditions. This variant is not present in population databases (ExAC no frequency). This sequence change affects an acceptor splice site in intron 6 of the TAZ gene. It is expected to disrupt RNA splicing and likely results in an absent or disrupted protein product.

Literature cited by the submitters: PubMed 16199547; PubMed 16427346; PubMed 22382802; PubMed 23409742.

NM_000116.5(TAFAZZIN):c.542-2A>G

Gene: TAFAZZIN (tafazzin, phospholipid-lysophospholipid transacylase; plus strand). Cytogenetic location: Xq28.
Variant type: single nucleotide variant.
Coding change: c.542-2A>G on transcript NM_000116.5 (MANE Select); the canonical splice acceptor site of the intron before coding-DNA position 542, A replaced by G.
Molecular consequence: splice acceptor variant. On other transcripts: intron variant (3).
Genome position (GRCh38, 1-based): chrX:154,419,703, A>G. VCF-style: chrX-154419703-A-G. GRCh37 (hg19) VCF-style: chrX-153648042-A-G.
Other names: c.595+80A>G (NM_001303465.2); c.506-2A>G (NM_001410698.1); c.541+80A>G (NM_181312.4); c.452-2A>G (NM_181311.4); c.451+80A>G (NM_181313.4).
Identifiers: ClinVar variation 855841 (VCV000855841.7), dbSNP rs2068574381, ClinGen allele CA415183806.